The following is an entry in ClinVar:

NM_001429.4(EP300):c.*2G>A

Gene: EP300 (E1A binding protein p300; plus strand). Cytogenetic location: 22q13.2.
Variant type: single nucleotide variant.
Coding change: c.*2G>A on transcript NM_001429.4 (MANE Select); 2 bases downstream of the stop codon, G replaced by A.
Molecular consequence: 3 prime UTR variant.
Genome position (GRCh38, 1-based): chr22:41,178,958, G>A. VCF-style: chr22-41178958-G-A. GRCh37 (hg19) VCF-style: chr22-41574962-G-A.
Other names: c.*2G>A (NM_001362843.2).
Identifiers: ClinVar variation 3350934 (VCV003350934.1).

ClinVar aggregate classification (germline): Likely benign (0 of 4 stars; one submission).

Conditions:
EP300-related disorder. Also called: EP300-related disorders; EP300-related condition.

gnomAD v4.1: 4 of 1,602,610 alleles (0.00025%); highest among the groups gnomAD compares: South Asian, 0.0011%; no homozygotes.

Submission:

PreventionGenetics, part of Exact Sciences
Classification: Likely benign for EP300-related condition. Last evaluated: 2022-03-25. Review status: no assertion criteria provided. Collection method: clinical testing. Allele origin: germline.
Comment: This variant is classified as likely benign based on ACMG/AMP sequence variant interpretation guidelines (Richards et al. 2015 PMID: 25741868, with internal and published modifications).